The following is an entry in ClinVar:

ClinVar aggregate classification (germline): Likely benign (1 of 4 stars; one submission).

gnomAD v4.1: 163 of 1,602,224 alleles (0.01%); highest among the groups gnomAD compares: African/African-American, 0.083%; 8 homozygotes.

Submission:

CeGaT Center for Human Genetics Tuebingen
Classification: Likely benign. Last evaluated: 2025-06-01. Review status: criteria provided, single submitter. Criteria: CeGaT Center For Human Genetics Tuebingen Variant Classification Criteria Version 2. Collection method: clinical testing. Allele origin: germline. Affected: yes. Observed: 1 variant allele.
Comment: CELA3A: BP4, BP7

NM_005747.5(CELA3A):c.321G>C (p.Leu107=)

Gene: CELA3A (chymotrypsin like elastase 3A; plus strand). Cytogenetic location: 1p36.12.
Variant type: single nucleotide variant.
Coding change: c.321G>C on transcript NM_005747.5 (MANE Select); coding-DNA position 321, G replaced by C.
Protein change: p.Leu107=; no amino-acid change (leucine 107 retained).
Molecular consequence: synonymous variant.
Genome position (GRCh38, 1-based): chr1:22,005,755, G>C. VCF-style: chr1-22005755-G-C. GRCh37 (hg19) VCF-style: chr1-22332248-G-C.
Identifiers: ClinVar variation 3905133 (VCV003905133.10).
Genomic context (GRCh38, chr1:22,005,755, plus strand): 5'-GTACAACCTTGCTGTGAAGGAGGGCCCCGAGCAGGTGATCCCCATCAACTCTGAGGAGCT[G>C]TTTGTGCATCCACTCTGGAACCGCTCGTGTGTGGCCTGTGGGTGAGTGAATGCTCCGGTC-3'
Protein context (NP_005738.4, residues 97-117): EQVIPINSEE[Leu107=]FVHPLWNRSC